The following is an entry in ClinVar:

ClinVar aggregate classification (germline): Uncertain significance. Review status: criteria provided, multiple submitters, no conflicts (2 of 4 stars). 2 submissions from 2 submitters: Uncertain significance (2). Last evaluated 2023-10-10.

Conditions:
Inborn genetic diseases. Identifiers: MedGen C0950123, MeSH D030342.
Autosomal recessive polycystic kidney disease (ARPKD). Also called: AR polycystic kidney disease. Identifiers: Orphanet 731, Orphanet 8378, MedGen C0085548, MeSH D017044, MONDO:0009889.

gnomAD v4.1: 2 of 1,614,124 alleles (0.00012%); highest among the groups gnomAD compares: Non-Finnish European, 0.00017%; no homozygotes.

Submissions (2):

Ambry Genetics
Classification: Uncertain significance for Inborn genetic diseases. Last evaluated: 2023-10-10. Review status: criteria provided, single submitter. Criteria: Ambry Variant Classification Scheme 2023. Collection method: clinical testing. Allele origin: germline.

Labcorp Genetics (formerly Invitae), Labcorp
Classification: Uncertain significance for Autosomal recessive polycystic kidney disease. Last evaluated: 2023-07-21. Review status: criteria provided, single submitter. Criteria: Invitae Variant Classification Sherloc (09022015). Collection method: clinical testing. Allele origin: germline.
Comment: In summary, the available evidence is currently insufficient to determine the role of this variant in disease. Therefore, it has been classified as a Variant of Uncertain Significance. Advanced modeling of protein sequence and biophysical properties (such as structural, functional, and spatial information, amino acid conservation, physicochemical variation, residue mobility, and thermodynamic stability) performed at Invitae indicates that this missense variant is not expected to disrupt PKHD1 protein function. This variant has not been reported in the literature in individuals affected with PKHD1-related conditions. This variant is not present in population databases (gnomAD no frequency). This sequence change replaces isoleucine, which is neutral and non-polar, with leucine, which is neutral and non-polar, at codon 3205 of the PKHD1 protein (p.Ile3205Leu).

NM_138694.4(PKHD1):c.9613A>C (p.Ile3205Leu)

Gene: PKHD1 (PKHD1 ciliary IPT domain containing fibrocystin/polyductin; minus strand). Cytogenetic location: 6p12.3.
Variant type: single nucleotide variant.
Coding change: c.9613A>C on transcript NM_138694.4 (MANE Select); coding-DNA position 9613, A replaced by C.
Protein change: p.Ile3205Leu; replaces isoleucine 3205 with leucine.
Molecular consequence: missense variant.
Genome position (GRCh38, 1-based): chr6:51,748,003, T>G on the plus strand (A>C on the coding strand, the complement: PKHD1 is on the minus strand). VCF-style: chr6-51748003-T-G. GRCh37 (hg19) VCF-style: chr6-51612801-T-G.
Other names: c.9613A>C (NM_138694.3); c.9613A>C, p.Ile3205Leu (NM_170724.3); short protein forms I3205L.
Identifiers: ClinVar variation 2777047 (VCV002777047.4), dbSNP rs770569215, ClinGen allele CA364420693.
Genomic context (GRCh38, chr6:51,748,003, plus strand): 5'-TGGCTGAGTGCGGCTTCACTTTGTCCTGAATGCAGTCAAAAGAAGAGCTGGTGGCCACAA[T>G]GACTGAATTCCTAAGCACAATCTGCACTTTTTTGACGGAATTTTGTGGAGCAGAAAATAC-3'
Protein context (NP_619639.3, residues 3195-3215): KVQIVLRNSV[Ile3205Leu]VATSSSFDCI